The following is an entry in ClinVar:

NM_176787.5(PIGN):c.2674A>G (p.Ile892Val)

Gene: PIGN (phosphatidylinositol glycan anchor biosynthesis class N; minus strand). Cytogenetic location: 18q21.33.
Variant type: single nucleotide variant.
Coding change: c.2674A>G on transcript NM_176787.5 (MANE Select); coding-DNA position 2674, A replaced by G.
Protein change: p.Ile892Val; replaces isoleucine 892 with valine.
Molecular consequence: missense variant.
Genome position (GRCh38, 1-based): chr18:62,045,978, T>C on the plus strand (A>G on the coding strand, the complement: PIGN is on the minus strand). VCF-style: chr18-62045978-T-C. GRCh37 (hg19) VCF-style: chr18-59713211-T-C.
Other names: c.2674A>G, p.Ile892Val (NM_012327.6); short protein forms I892V.
Identifiers: ClinVar variation 653844 (VCV000653844.6), dbSNP rs1008196906, ClinGen allele CA301862074.

ClinVar aggregate classification (germline): Uncertain significance (1 of 4 stars; one submission).

Conditions:
Multiple congenital anomalies-hypotonia-seizures syndrome 1 (MCAHS1). Also called: GLYCOSYLPHOSPHATIDYLINOSITOL BIOSYNTHESIS DEFECT 3; PIGN-CDG; Congenital disorder of glycosylation due to PIGN deficiency. Identifiers: Orphanet 280633, MedGen C3279775, MONDO:0013563, OMIM 614080.

Allele frequency attached by ClinVar (database versions not stated): gnomAD exomes below 0.00001.
gnomAD v4.1: 4 of 1,612,060 alleles (0.00025%); highest among the groups gnomAD compares: Non-Finnish European, 0.00034%; no homozygotes.

Submission:

Labcorp Genetics (formerly Invitae), Labcorp
Classification: Uncertain significance for Multiple congenital anomalies-hypotonia-seizures syndrome 1. Last evaluated: 2022-09-19. Review status: criteria provided, single submitter. Criteria: Invitae Variant Classification Sherloc (09022015). Collection method: clinical testing. Allele origin: germline.
Comment: This sequence change replaces isoleucine, which is neutral and non-polar, with valine, which is neutral and non-polar, at codon 892 of the PIGN protein (p.Ile892Val). This variant is not present in population databases (gnomAD no frequency). This variant has not been reported in the literature in individuals affected with PIGN-related conditions. ClinVar contains an entry for this variant (Variation ID: 653844). Algorithms developed to predict the effect of missense changes on protein structure and function (SIFT, PolyPhen-2, Align-GVGD) all suggest that this variant is likely to be disruptive. In summary, the available evidence is currently insufficient to determine the role of this variant in disease. Therefore, it has been classified as a Variant of Uncertain Significance.